The following is an entry in ClinVar:

NM_005908.4(MANBA):c.484C>G (p.Gln162Glu)

Gene: MANBA (mannosidase beta; minus strand). Cytogenetic location: 4q24.
Variant type: single nucleotide variant.
Coding change: c.484C>G on transcript NM_005908.4 (MANE Select); coding-DNA position 484, C replaced by G.
Protein change: p.Gln162Glu; replaces glutamine 162 with glutamic acid.
Molecular consequence: missense variant.
Genome position (GRCh38, 1-based): chr4:102,722,936, G>C on the plus strand (C>G on the coding strand, the complement: MANBA is on the minus strand). VCF-style: chr4-102722936-G-C. GRCh37 (hg19) VCF-style: chr4-103644093-G-C.
Other names: short protein forms Q162E.
Identifiers: ClinVar variation 1925398 (VCV001925398.4), dbSNP rs574767288, ClinGen allele CA3027206.

ClinVar aggregate classification (germline): Uncertain significance (1 of 4 stars; one submission).

Conditions:
Beta-D-mannosidosis (MANSB). Also called: MANNOSIDOSIS, BETA A, LYSOSOMAL; BETA-MANNOSIDASE DEFICIENCY; LYSOSOMAL BETA-MANNOSIDASE DEFICIENCY; Beta-Mannosidosis. Identifiers: Orphanet 118, MedGen C4048196, MONDO:0009562, OMIM 248510.

Allele frequency attached by ClinVar (database versions not stated): 1000 Genomes Project 30x 0.00016; 1000 Genomes Project 0.00020; gnomAD exomes 0.00002; ExAC 0.00003; gnomAD 0.00003.
gnomAD v4.1: 34 of 1,614,138 alleles (0.0021%); highest among the groups gnomAD compares: South Asian, 0.032%; 1 homozygote.

Submission:

Labcorp Genetics (formerly Invitae), Labcorp
Classification: Uncertain significance for Beta-D-mannosidosis. Last evaluated: 2024-11-05. Review status: criteria provided, single submitter. Criteria: Invitae Variant Classification Sherloc (09022015). Collection method: clinical testing. Allele origin: germline.
Comment: This sequence change replaces glutamine, which is neutral and polar, with glutamic acid, which is acidic and polar, at codon 162 of the MANBA protein (p.Gln162Glu). This variant is present in population databases (rs574767288, gnomAD 0.03%). This variant has not been reported in the literature in individuals affected with MANBA-related conditions. ClinVar contains an entry for this variant (Variation ID: 1925398). Invitae Evidence Modeling of protein sequence and biophysical properties (such as structural, functional, and spatial information, amino acid conservation, physicochemical variation, residue mobility, and thermodynamic stability) indicates that this missense variant is not expected to disrupt MANBA protein function with a negative predictive value of 80%. In summary, the available evidence is currently insufficient to determine the role of this variant in disease. Therefore, it has been classified as a Variant of Uncertain Significance.